The following is an entry in ClinVar:

ClinVar aggregate classification (germline): Uncertain significance (1 of 4 stars; one submission).

Allele frequency attached by ClinVar (database versions not stated): gnomAD 0.00001; TOPMed 0.00001; ExAC 0.00002; ESP Exome Variant Server 0.00008.

Submission:

Labcorp Genetics (formerly Invitae), Labcorp
Classification: Uncertain significance. Last evaluated: 2022-08-28. Review status: criteria provided, single submitter. Criteria: Invitae Variant Classification Sherloc (09022015). Collection method: clinical testing. Allele origin: germline.
Comment: This sequence change replaces alanine, which is neutral and non-polar, with threonine, which is neutral and polar, at codon 76 of the SLC7A9 protein (p.Ala76Thr). This variant is present in population databases (rs367824558, gnomAD 0.006%). This variant has not been reported in the literature in individuals affected with SLC7A9-related conditions. Algorithms developed to predict the effect of missense changes on protein structure and function are either unavailable or do not agree on the potential impact of this missense change (SIFT: "Deleterious"; PolyPhen-2: "Possibly Damaging"; Align-GVGD: "Class C0"). In summary, the available evidence is currently insufficient to determine the role of this variant in disease. Therefore, it has been classified as a Variant of Uncertain Significance.

NM_014270.5(SLC7A9):c.226G>A (p.Ala76Thr)

Gene: SLC7A9 (solute carrier family 7 member 9; minus strand). Cytogenetic location: 19q13.11.
Variant type: single nucleotide variant.
Coding change: c.226G>A on transcript NM_014270.5 (MANE Select); coding-DNA position 226, G replaced by A.
Protein change: p.Ala76Thr; replaces alanine 76 with threonine.
Molecular consequence: missense variant.
Genome position (GRCh38, 1-based): chr19:32,864,638, C>T on the plus strand (G>A on the coding strand, the complement: SLC7A9 is on the minus strand). VCF-style: chr19-32864638-C-T. GRCh37 (hg19) VCF-style: chr19-33355544-C-T.
Other names: c.226G>A, p.Ala76Thr (NM_001126335.2, NM_001243036.2); short protein forms A76T.
Identifiers: ClinVar variation 2200323 (VCV002200323.4), dbSNP rs367824558, ClinGen allele CA9358914.